The following is an entry in ClinVar:

ClinVar aggregate classification (germline): Likely pathogenic (1 of 4 stars; one submission).

Conditions:
Hyperprolinemia type 2 (HYRPRO2). Also called: 1-PYRROLINE-5-CARBOXYLATE DEHYDROGENASE DEFICIENCY; Deficiency of pyrroline-5-carboxylate reductase; Delta-1-pyrroline-5-carboxylate dehydrogenase deficiency. Identifiers: Orphanet 79101, MedGen C2931835, MONDO:0009401, OMIM 239510.

Submission:

Juno Genomics, Hangzhou Juno Genomics, Inc
Classification: Likely pathogenic for Hyperprolinemia type 2. Review status: criteria provided, single submitter. Criteria: ACMG Guidelines, 2015. Collection method: clinical testing. Allele origin: germline.
Comment: Null variant in a gene where loss of function (LOF) is a known mechanism of disease.;Absent from controls (or at extremely low frequency if recessive) in Genome Aggregation Database.

NM_003748.4(ALDH4A1):c.867-1G>A

Gene: ALDH4A1 (aldehyde dehydrogenase 4 family member A1; minus strand). Cytogenetic location: 1p36.13.
Variant type: single nucleotide variant.
Coding change: c.867-1G>A on transcript NM_003748.4 (MANE Select); the canonical splice acceptor site of the intron before coding-DNA position 867, G replaced by A.
Molecular consequence: splice acceptor variant.
Genome position (GRCh38, 1-based): chr1:18,879,374, C>T on the plus strand (G>A on the coding strand, the complement: ALDH4A1 is on the minus strand). VCF-style: chr1-18879374-C-T. GRCh37 (hg19) VCF-style: chr1-19205868-C-T.
Other names: c.867-1G>A (NM_001319218.2, NM_170726.3); c.687-1G>A (NM_001161504.2).
Identifiers: ClinVar variation 5005416 (VCV005005416.2).